The following is an entry in ClinVar:

NM_002430.3(MN1):c.1043C>G (p.Pro348Arg)

Gene: MN1 (MN1 proto-oncogene, transcriptional regulator; minus strand). Cytogenetic location: 22q12.1.
Variant type: single nucleotide variant.
Coding change: c.1043C>G on transcript NM_002430.3 (MANE Select); coding-DNA position 1043, C replaced by G.
Protein change: p.Pro348Arg; replaces proline 348 with arginine.
Molecular consequence: missense variant.
Genome position (GRCh38, 1-based): chr22:27,799,501, G>C on the plus strand (C>G on the coding strand, the complement: MN1 is on the minus strand). VCF-style: chr22-27799501-G-C. GRCh37 (hg19) VCF-style: chr22-28195489-G-C.
Other names: short protein forms P348R.
Identifiers: ClinVar variation 3893609 (VCV003893609.1).

ClinVar aggregate classification (germline): Uncertain significance (1 of 4 stars; one submission).

Submission:

GeneDx
Classification: Uncertain significance. Last evaluated: 2024-10-28. Review status: criteria provided, single submitter. Criteria: GeneDx Variant Classification Process June 2021. Collection method: clinical testing. Allele origin: germline. Affected: yes.
Comment: Not observed at significant frequency in large population cohorts (gnomAD); In silico analysis supports that this missense variant has a deleterious effect on protein structure/function; Has not been previously published as pathogenic or benign to our knowledge